The following is an entry in ClinVar:

NM_001321075.3(DLG4):c.1322del (p.Lys441fs)

Gene: DLG4 (discs large MAGUK scaffold protein 4; minus strand). Cytogenetic location: 17p13.1.
Variant type: Deletion.
Coding change: c.1322del on transcript NM_001321075.3 (MANE Select); coding-DNA position 1322, one base deleted (A; older notation c.1322delA).
Protein change: p.Lys441fs; shifts the reading frame from lysine 441.
Molecular consequence: frameshift variant. On other transcripts: non-coding transcript variant (1).
Genome position (GRCh38, 1-based): chr17:7,194,475, T deleted on the plus strand (A on the coding strand, the reverse complement: DLG4 is on the minus strand); the first of 2 consecutive T bases (chr17:7,194,475-7,194,476); deleting either gives the same sequence. VCF-style (leftmost placement, unchanged base first): chr17-7194474-CT-C. GRCh37 (hg19) VCF-style: chr17-7097793-CT-C.
Other names: c.1313del, p.Lys438fs (NM_001128827.4); c.1442del, p.Lys481fs (NM_001321074.1); c.1142del, p.Lys381fs (NM_001321076.3, NM_001321077.3); c.1451del, p.Lys484fs (NM_001365.5); c.1241del, p.Lys414fs (NM_001369566.3); short protein forms K381fs, K414fs, K438fs, K441fs, K481fs, K484fs.
Identifiers: ClinVar variation 4845542 (VCV004845542.1).

ClinVar aggregate classification (germline): Pathogenic (1 of 4 stars; one submission).

Conditions:
Intellectual developmental disorder 62. Also called: MENTAL RETARDATION, AUTOSOMAL DOMINANT 62; INTELLECTUAL DEVELOPMENTAL DISORDER, AUTOSOMAL DOMINANT 62. Identifiers: MedGen C5394083, MONDO:0032919, OMIM 618793.

Submission:

Greenwood Genetic Center Diagnostic Laboratories, Greenwood Genetic Center
Classification: Pathogenic for Intellectual developmental disorder 62. Last evaluated: 2025-12-16. Review status: criteria provided, single submitter. Criteria: ACMG Guidelines, 2015. Collection method: clinical testing. Allele origin: germline. Affected: yes.
Comment: PVS1, PS2, PM2